The following is an entry in ClinVar:

NM_001271938.2(MEGF8):c.3791G>A (p.Gly1264Glu)

Gene: MEGF8 (multiple EGF like domains 8; plus strand). Cytogenetic location: 19q13.2.
Variant type: single nucleotide variant.
Coding change: c.3791G>A on transcript NM_001271938.2 (MANE Select); coding-DNA position 3791, G replaced by A.
Protein change: p.Gly1264Glu; replaces glycine 1264 with glutamic acid.
Molecular consequence: missense variant.
Genome position (GRCh38, 1-based): chr19:42,353,804, G>A. VCF-style: chr19-42353804-G-A. GRCh37 (hg19) VCF-style: chr19-42857956-G-A.
Other names: c.3590G>A, p.Gly1197Glu (NM_001410.3); short protein forms G1264E, G1197E.
Identifiers: ClinVar variation 2730855 (VCV002730855.3), dbSNP rs2514301886, ClinGen allele CA406109959.

ClinVar aggregate classification (germline): Uncertain significance (1 of 4 stars; one submission).

Conditions:
MEGF8-related Carpenter syndrome. Also called: Carpenter syndrome 2. Identifiers: Orphanet 65759, MedGen C3554247, MONDO:0013998, OMIM 614976.

Submission:

Labcorp Genetics (formerly Invitae), Labcorp
Classification: Uncertain significance for MEGF8-related Carpenter syndrome. Last evaluated: 2024-10-22. Review status: criteria provided, single submitter. Criteria: Invitae Variant Classification Sherloc (09022015). Collection method: clinical testing. Allele origin: germline.
Comment: This sequence change replaces glycine, which is neutral and non-polar, with glutamic acid, which is acidic and polar, at codon 1197 of the MEGF8 protein (p.Gly1197Glu). This variant is not present in population databases (gnomAD no frequency). This variant has not been reported in the literature in individuals affected with MEGF8-related conditions. An algorithm developed to predict the effect of missense changes on protein structure and function (PolyPhen-2) suggests that this variant is likely to be tolerated. In summary, the available evidence is currently insufficient to determine the role of this variant in disease. Therefore, it has been classified as a Variant of Uncertain Significance.